The following is an entry in ClinVar:

NC_000012.11:g.(?_32949023)_(32955510_?)del

Gene: PKP2 (plakophilin 2; minus strand). Cytogenetic location: 12p11.21.
Variant type: Deletion.
Identifiers: ClinVar variation 2425172 (VCV002425172.3).

ClinVar aggregate classification (germline): Pathogenic (1 of 4 stars; one submission).

Conditions:
Arrhythmogenic right ventricular dysplasia 9 (ARVD9). Also called: Arrhythmogenic Right Ventricular Dysplasia/Cardiomyopathy 9; ARRHYTHMOGENIC RIGHT VENTRICULAR DYSPLASIA, FAMILIAL, 9. Identifiers: MedGen C1836906, MONDO:0012180, OMIM 609040.

Submission:

Labcorp Genetics (formerly Invitae), Labcorp
Classification: Pathogenic for Arrhythmogenic right ventricular dysplasia 9. Last evaluated: 2022-07-25. Review status: criteria provided, single submitter. Criteria: Invitae Variant Classification Sherloc (09022015). Collection method: clinical testing. Allele origin: germline.
Comment: This variant is a gross deletion of the genomic region encompassing exon(s) 11-12 of the PKP2 gene. This deletion is out-of-frame, and is expected to create a premature termination codon and result in an absent or disrupted protein product. Loss-of-function variants in PKP2 are known to be pathogenic (PMID: 15489853, 23911551). This variant has not been reported in the literature in individuals affected with PKP2-related conditions. For these reasons, this variant has been classified as Pathogenic.

Literature cited by the submitters: PubMed 15489853; PubMed 23911551.